The following is an entry in ClinVar:

ClinVar aggregate classification (germline): Benign. Review status: criteria provided, multiple submitters, no conflicts (2 of 4 stars). 11 submissions from 9 submitters: Benign (8). 3 of the submissions do not count toward it. Last evaluated 2026-02-02.

Conditions:
Distal spinal muscular atrophy. Also called: Distal hereditary motor neuropathy; Distal hereditary motor neuronopathy. Identifiers: Orphanet 53739, MedGen C0393541, MONDO:0018894.
Charcot-Marie-Tooth disease. Also called: Charcot-Marie-Tooth Neuropathy; Charcot-Marie-Tooth Hereditary Neuropathy. Identifiers: Orphanet 166, MedGen C0007959, MONDO:0015626.
Charcot-Marie-Tooth disease type 2. Also called: Charcot-Marie-Tooth type 2. Identifiers: Orphanet 64746, MedGen C0270914, MONDO:0018993.
Charcot-Marie-Tooth disease type 2D (CMT2D). Also called: CHARCOT-MARIE-TOOTH DISEASE, AXONAL, TYPE 2D; GARS1 Adolescent- or Early Adult-Onset Hereditary Motor/Sensory Neuropathy (GARS1-HMSN); Charcot-Marie-Tooth Neuropathy Type 2D; CHARCOT-MARIE-TOOTH DISEASE, NEURONAL, TYPE 2D. Identifiers: Orphanet 99938, MedGen C1832274, MONDO:0011091, OMIM 601472.
Neuronopathy, distal hereditary motor, type 5A (HMND5). Also called: DHMN VA; Distal Spinal Muscular Atrophy V; Distal Spinal Muscular Atrophy V (dSMA-V); NEURONOPATHY, DISTAL HEREDITARY MOTOR, AUTOSOMAL DOMINANT 5. Identifiers: Orphanet 139536, MedGen CN031873, MONDO:0015353, OMIM 600794.

Allele frequency attached by ClinVar (database versions not stated): 1000 Genomes Project 30x 0.02483; gnomAD exomes 0.02486 and 0.02995; 1000 Genomes Project 0.02516; ExAC 0.02526; gnomAD 0.03911 and 0.04182; TOPMed 0.04337; ESP Exome Variant Server 0.04494.

Submissions (11):

Labcorp Genetics (formerly Invitae), Labcorp
Classification: Benign for Charcot-Marie-Tooth disease type 2. Last evaluated: 2026-02-02. Review status: criteria provided, single submitter. Criteria: Invitae Variant Classification Sherloc (09022015). Collection method: clinical testing. Allele origin: germline.

Athena Diagnostics
Classification: Benign. Last evaluated: 2025-10-02. Review status: criteria provided, single submitter. Criteria: Athena Diagnostics Criteria. Collection method: clinical testing. Allele origin: unknown.
Comment: The frequency of this variant in the general population is higher than would generally be expected for pathogenic variants in this gene.

Illumina Laboratory Services, Illumina
Classification: Benign for Distal hereditary motor neuronopathy type 5. Last evaluated: 2018-01-12. Review status: criteria provided, single submitter. Criteria: ICSL Variant Classification Criteria 13 December 2019. Collection method: clinical testing. Allele origin: germline.
Comment: This variant was observed in the ICSL laboratory as part of a predisposition screen in an ostensibly healthy population. It had not been previously curated by ICSL or reported in the Human Gene Mutation Database (HGMD: prior to June 1st, 2018), and was therefore a candidate for classification through an automated scoring system. Utilizing variant allele frequency, disease prevalence and penetrance estimates, and inheritance mode, an automated score was calculated to assess if this variant is too frequent to cause the disease. Based on the score and internal cut-off values, a variant classified as benign is not then subjected to further curation. The score for this variant resulted in a classification of benign for this disease.

Illumina Laboratory Services, Illumina
Classification: Benign for Distal Spinal Muscular Atrophy. Last evaluated: 2018-01-12. Review status: criteria provided, single submitter. Criteria: ICSL Variant Classification Criteria 13 December 2019. Collection method: clinical testing. Allele origin: germline.
Comment: the same text as in the submission from Illumina Laboratory Services, Illumina above.

Illumina Laboratory Services, Illumina
Classification: Benign for Charcot-Marie-Tooth disease type 2D. Last evaluated: 2018-01-12. Review status: criteria provided, single submitter. Criteria: ICSL Variant Classification Criteria 13 December 2019. Collection method: clinical testing. Allele origin: germline.
Comment: the same text as in the submission from Illumina Laboratory Services, Illumina above.

GeneDx
Classification: Benign. Last evaluated: 2014-04-03. Review status: criteria provided, single submitter. Criteria: GeneDx Variant Classification (06012015). Collection method: clinical testing. Allele origin: germline. Affected: yes.
Comment: This variant is considered likely benign or benign based on one or more of the following criteria: it is a conservative change, it occurs at a poorly conserved position in the protein, it is predicted to be benign by multiple in silico algorithms, and/or has population frequency not consistent with disease.

Molecular Genetics Laboratory, London Health Sciences Centre
Classification: Benign for Charcot-Marie-Tooth disease. Review status: criteria provided, single submitter. Criteria: ACMG Guidelines, 2015. Collection method: clinical testing. Allele origin: germline. Affected: yes.

PreventionGenetics, part of Exact Sciences
Classification: Benign. Review status: criteria provided, single submitter. Criteria: ACMG Guidelines, 2015. Collection method: clinical testing. Allele origin: germline.

Mayo Clinic Laboratories, Mayo Clinic
Classification: Benign. Last evaluated: 2016-02-29. Review status: no assertion criteria provided. Collection method: clinical testing. Allele origin: unknown. Not counted in ClinVar's aggregate classification.

Clinical Genetics, Academic Medical Center
Classification: Benign. Review status: no assertion criteria provided. Collection method: clinical testing. Allele origin: germline. Affected: yes. Study: VKGL Data-share Consensus. Not counted in ClinVar's aggregate classification.

Joint Genome Diagnostic Labs from Nijmegen and Maastricht, Radboudumc and MUMC+
Classification: Benign. Review status: no assertion criteria provided. Collection method: clinical testing. Allele origin: germline. Affected: yes. Study: VKGL Data-share Consensus. Not counted in ClinVar's aggregate classification.

NM_002047.4(GARS1):c.1833T>C (p.Val611=)

Gene: GARS1 (glycyl-tRNA synthetase 1; plus strand). Cytogenetic location: 7p14.3.
Variant type: single nucleotide variant.
Coding change: c.1833T>C on transcript NM_002047.4 (MANE Select); coding-DNA position 1833, T replaced by C.
Protein change: p.Val611=; no amino-acid change (valine 611 retained).
Molecular consequence: synonymous variant.
Genome position (GRCh38, 1-based): chr7:30,631,471, T>C. VCF-style: chr7-30631471-T-C. GRCh37 (hg19) VCF-style: chr7-30671087-T-C.
Other names: p.V611V:GTT>GTC; c.1833T>C (LRG_243t1); c.1671T>C, p.Val557= (NM_001316772.1).
Identifiers: ClinVar variation 137442 (VCV000137442.26), dbSNP rs14270, ClinGen allele CA291028.